The following is an entry in ClinVar:

NM_000264.5(PTCH1):c.4189C>T (p.Leu1397Phe)

Gene: PTCH1 (patched 1; minus strand). Cytogenetic location: 9q22.32.
Variant type: single nucleotide variant.
Coding change: c.4189C>T on transcript NM_000264.5 (MANE Select); coding-DNA position 4189, C replaced by T.
Protein change: p.Leu1397Phe; replaces leucine 1397 with phenylalanine.
Molecular consequence: missense variant. On other transcripts: non-coding transcript variant (1).
Genome position (GRCh38, 1-based): chr9:95,447,067, G>A on the plus strand (C>T on the coding strand, the complement: PTCH1 is on the minus strand). VCF-style: chr9-95447067-G-A. GRCh37 (hg19) VCF-style: chr9-98209349-G-A.
Other names: c.3991C>T, p.Leu1331Phe (NM_001083602.3); c.4186C>T, p.Leu1396Phe (NM_001083603.3); c.3736C>T, p.Leu1246Phe (NM_001083604.3, NM_001083605.3, NM_001083606.3 and 1 more transcripts); c.4033C>T, p.Leu1345Phe (NM_001354918.2); c.4189C>T (NM_000264.3); short protein forms L1396F, L1397F, L1331F, L1345F, L1246F.
Identifiers: ClinVar variation 1472290 (VCV001472290.8), dbSNP rs1837978959, ClinGen allele CA374110158.
Genomic context (GRCh38, chr9:95,447,067, plus strand): 5'-GGAAAGGCACGTGGGGGTCCTCAAACAGGCCGTGGTCAGTCTCAGGGTAGCCTGGGCAGA[G>A]TCCCCCTCGGGGGTTCCGCCCAGGCCCAGGGACAGGCGGCGGGTGCACGGCGACAGTCAC-3'
Protein context (NP_000255.2, residues 1387-1407): PGPGRNPRGG[Leu1397Phe]CPGYPETDHG

ClinVar aggregate classification (germline): Conflicting classifications of pathogenicity. Review status: criteria provided, conflicting classifications (1 of 4 stars). 2 submissions from 2 submitters: Uncertain significance (1); Likely benign (1). Last evaluated 2026-07-06.

Conditions:
Hereditary cancer-predisposing syndrome. Also called: Hereditary Cancer Syndrome; Tumor predisposition; Neoplastic Syndromes, Hereditary; Hereditary neoplastic syndrome. Identifiers: Orphanet 140162, MedGen C0027672, MeSH D009386, MONDO:0015356.
Gorlin syndrome. Also called: Nevoid Basal Cell Carcinoma Syndrome; Basal cell nevus syndrome. Identifiers: Orphanet 377, MedGen C0004779, MONDO:0007187.

gnomAD v4.1: 1 of 1,614,076 alleles (0.000062%); highest among the groups gnomAD compares: Non-Finnish European, 0.000085%; no homozygotes.

Submissions (2):

Ambry Genetics
Classification: Likely benign for Hereditary cancer-predisposing syndrome. Last evaluated: 2026-07-06. Review status: criteria provided, single submitter. Criteria: Ambry Variant Classification Scheme 2023. Collection method: clinical testing. Allele origin: germline.

Labcorp Genetics (formerly Invitae), Labcorp
Classification: Uncertain significance for Gorlin syndrome. Last evaluated: 2022-10-12. Review status: criteria provided, single submitter. Criteria: Invitae Variant Classification Sherloc (09022015). Collection method: clinical testing. Allele origin: germline.
Comment: Advanced modeling of protein sequence and biophysical properties (such as structural, functional, and spatial information, amino acid conservation, physicochemical variation, residue mobility, and thermodynamic stability) performed at Invitae indicates that this missense variant is not expected to disrupt PTCH1 protein function. ClinVar contains an entry for this variant (Variation ID: 1472290). This variant has not been reported in the literature in individuals affected with PTCH1-related conditions. This variant is not present in population databases (gnomAD no frequency). This sequence change replaces leucine, which is neutral and non-polar, with phenylalanine, which is neutral and non-polar, at codon 1397 of the PTCH1 protein (p.Leu1397Phe). In summary, the available evidence is currently insufficient to determine the role of this variant in disease. Therefore, it has been classified as a Variant of Uncertain Significance.